The following is an entry in ClinVar:

ClinVar aggregate classification (germline): Uncertain significance (1 of 4 stars; one submission).

Conditions:
ZBTB47-related condition.

Submission:

PreventionGenetics, part of Exact Sciences
Classification: Uncertain significance for ZBTB47-related condition. Last evaluated: 2024-11-22. Review status: criteria provided, single submitter. Criteria: ACMG Guidelines, 2015. Collection method: clinical testing. Allele origin: germline.
Comment: The ZBTB47 c.811_812delinsAA variant is predicted to result in an in-frame deletion and insertion. To our knowledge, this variant has not been reported in the literature or in a large population database (gnomAD), indicating this variant is rare. At this time, the clinical significance of this variant is uncertain due to the absence of conclusive functional and genetic evidence.

NM_145166.4(ZBTB47):c.811_812delinsAA (p.Gly271Lys)

Gene: ZBTB47 (zinc finger and BTB domain containing 47; plus strand). Cytogenetic location: 3p22.1.
Variant type: Indel.
Coding change: c.811_812delinsAA on transcript NM_145166.4 (MANE Select); coding-DNA positions 811 to 812, GG replaced by AA.
Protein change: p.Gly271Lys; replaces glycine 271 with lysine.
Molecular consequence: missense variant.
Genome position (GRCh38, 1-based): chr3:42,659,166-42,659,167, GG replaced by AA. VCF-style: chr3-42659166-GG-AA. GRCh37 (hg19) VCF-style: chr3-42700658-GG-AA.
Other names: c.895_896delinsAA, p.Gly299Lys (NM_001410746.1); short protein forms G299K, G271K.
Identifiers: ClinVar variation 5000801 (VCV005000801.1).